The following is an entry in ClinVar:

ClinVar aggregate classification (germline): Uncertain significance. Review status: criteria provided, multiple submitters, no conflicts (2 of 4 stars). 2 submissions from 2 submitters: Uncertain significance (2). Last evaluated 2022-07-31.

Conditions:
Cardiovascular phenotype. Identifiers: MedGen CN230736.
Alstrom syndrome (ALMS). Identifiers: Orphanet 64, MedGen C0268425, MONDO:0008763, OMIM 203800.

Allele frequency attached by ClinVar (database versions not stated): gnomAD exomes below 0.00001; gnomAD 0.00001.
gnomAD v4.1: 4 of 1,613,744 alleles (0.00025%); highest among the groups gnomAD compares: African/African-American, 0.004%; no homozygotes.

Submissions (2):

Labcorp Genetics (formerly Invitae), Labcorp
Classification: Uncertain significance for Alstrom syndrome. Last evaluated: 2022-07-31. Review status: criteria provided, single submitter. Criteria: Invitae Variant Classification Sherloc (09022015). Collection method: clinical testing. Allele origin: germline.
Comment: This sequence change replaces glycine, which is neutral and non-polar, with serine, which is neutral and polar, at codon 589 of the ALMS1 protein (p.Gly589Ser). This variant is present in population databases (no rsID available, gnomAD 0.007%). This variant has not been reported in the literature in individuals affected with ALMS1-related conditions. In summary, the available evidence is currently insufficient to determine the role of this variant in disease. Therefore, it has been classified as a Variant of Uncertain Significance.

Ambry Genetics
Classification: Uncertain significance for Cardiovascular phenotype. Last evaluated: 2022-03-25. Review status: criteria provided, single submitter. Criteria: Ambry Variant Classification Scheme 2023. Collection method: clinical testing. Allele origin: germline.
Comment: The p.G589S variant (also known as c.1765G>A), located in coding exon 8 of the ALMS1 gene, results from a G to A substitution at nucleotide position 1765. The glycine at codon 589 is replaced by serine, an amino acid with similar properties. This amino acid position is poorly conserved in available vertebrate species. In addition, this alteration is predicted to be tolerated by in silico analysis. Since supporting evidence is limited at this time, the clinical significance of this alteration remains unclear.

NM_001378454.1(ALMS1):c.1762G>A (p.Gly588Ser)

Gene: ALMS1 (ALMS1 centrosome and basal body associated protein; plus strand). Cytogenetic location: 2p13.1.
Variant type: single nucleotide variant.
Coding change: c.1762G>A on transcript NM_001378454.1 (MANE Select); coding-DNA position 1762, G replaced by A.
Protein change: p.Gly588Ser; replaces glycine 588 with serine.
Molecular consequence: missense variant.
Genome position (GRCh38, 1-based): chr2:73,448,289, G>A. VCF-style: chr2-73448289-G-A. GRCh37 (hg19) VCF-style: chr2-73675416-G-A.
Other names: c.1765G>A, p.Gly589Ser (NM_015120.4); short protein forms G588S, G589S.
Identifiers: ClinVar variation 1779665 (VCV001779665.4), dbSNP rs1367898096, ClinGen allele CA347265329.
Genomic context (GRCh38, chr2:73,448,289, plus strand): 5'-CCAACAGTACTCTCTAGTTCCCACTCACATAGGGGGAAGCCCAGCATTTTCTACCAGCAG[G>A]GCTTGCCAGACAGTCATCTAACTGAAGAGGCTTTGAAAGTTTCAGCTGCTCCTGGACTAG-3'
Protein context (NP_001365383.1, residues 578-598): RGKPSIFYQQ[Gly588Ser]LPDSHLTEEA